The following is an entry in ClinVar:

NM_000747.3(CHRNB1):c.823G>T (p.Glu275Ter)

Gene: CHRNB1 (cholinergic receptor nicotinic beta 1 subunit; plus strand). Cytogenetic location: 17p13.1.
Variant type: single nucleotide variant.
Coding change: c.823G>T on transcript NM_000747.3 (MANE Select); coding-DNA position 823, G replaced by T.
Protein change: p.Glu275Ter; replaces glutamic acid 275 with a stop codon.
Molecular consequence: nonsense.
Genome position (GRCh38, 1-based): chr17:7,454,299, G>T. VCF-style: chr17-7454299-G-T. GRCh37 (hg19) VCF-style: chr17-7357618-G-T.
Other names: c.823G>T (NM_000747.2); short protein forms E275*.
Identifiers: ClinVar variation 1435639 (VCV001435639.8), dbSNP rs1908992563, ClinGen allele CA16609643.

ClinVar aggregate classification (germline): Pathogenic/Likely pathogenic. Review status: criteria provided, multiple submitters, no conflicts (2 of 4 stars). 3 submissions from 3 submitters: Pathogenic (2); Likely pathogenic (1). Last evaluated 2024-01-08.

Conditions:
Congenital myasthenic syndrome 2A. Also called: Myasthenic syndrome, congenital, 2a, slow-channel. Identifiers: Orphanet 590, MedGen C4225374, MONDO:0014581, OMIM 616313.

Allele frequency attached by ClinVar (database versions not stated): TOPMed below 0.00001.

Submissions (3):

GeneDx
Classification: Likely pathogenic. Last evaluated: 2024-01-08. Review status: criteria provided, single submitter. Criteria: GeneDx Variant Classification Process June 2021. Collection method: clinical testing. Allele origin: germline. Affected: yes.
Comment: Nonsense variant predicted to result in protein truncation or nonsense mediated decay in a gene for which loss of function is a known mechanism of disease; Not observed at significant frequency in large population cohorts (gnomAD); Identified via genome sequencing in the heterozygous state in a hospitalized neonate and noted to be inherited from a parent (PMID: 37432431); This variant is associated with the following publications: (PMID: 10562302, 37432431)

Labcorp Genetics (formerly Invitae), Labcorp
Classification: Pathogenic for Congenital myasthenic syndrome 2A. Last evaluated: 2022-07-19. Review status: criteria provided, single submitter. Criteria: Invitae Variant Classification Sherloc (09022015). Collection method: clinical testing. Allele origin: germline.
Comment: For these reasons, this variant has been classified as Pathogenic. Algorithms developed to predict the effect of sequence changes on RNA splicing suggest that this variant may create or strengthen a splice site. ClinVar contains an entry for this variant (Variation ID: 1435639). This variant has not been reported in the literature in individuals affected with CHRNB1-related conditions. This variant is not present in population databases (gnomAD no frequency). This sequence change creates a premature translational stop signal (p.Glu275*) in the CHRNB1 gene. It is expected to result in an absent or disrupted protein product. Loss-of-function variants in CHRNB1 are known to be pathogenic (PMID: 10562302).

Athena Diagnostics
Classification: Pathogenic. Last evaluated: 2021-11-15. Review status: criteria provided, single submitter. Criteria: Athena Diagnostics Criteria. Collection method: clinical testing. Allele origin: unknown.
Comment: This variant is expected to result in the loss of a functional protein. This variant has not been reported in large, multi-ethnic general populations. This variant has been identified in at least one individual tested at Athena Diagnostics with clinical features associated with this gene.This observation is not an independent occurrence and has been identified in the same individual by RCIGM, the other laboratory participating in the GEMINI study.

Literature cited by the submitters: PubMed 10562302 (cited by Labcorp Genetics (formerly Invitae), Labcorp).